The following is an entry in ClinVar:

ClinVar aggregate classification (germline): Uncertain significance. Review status: criteria provided, multiple submitters, no conflicts (2 of 4 stars). 2 submissions from 2 submitters: Uncertain significance (2). Last evaluated 2025-02-19.

Allele frequency attached by ClinVar (database versions not stated): TOPMed 0.00002; gnomAD 0.00003; ExAC 0.00004; gnomAD exomes 0.00004.

Submissions (2):

Women's Health and Genetics/Laboratory Corporation of America, LabCorp
Classification: Uncertain significance. Last evaluated: 2025-02-19. Review status: criteria provided, single submitter. Criteria: LabCorp Variant Classification Summary - May 2015. Collection method: clinical testing. Allele origin: germline.

Labcorp Genetics (formerly Invitae), Labcorp
Classification: Uncertain significance. Last evaluated: 2022-03-18. Review status: criteria provided, single submitter. Criteria: Invitae Variant Classification Sherloc (09022015). Collection method: clinical testing. Allele origin: germline.
Comment: This sequence change falls in intron 7 of the SYNE4 gene. It does not directly change the encoded amino acid sequence of the SYNE4 protein. It affects a nucleotide within the consensus splice site. This variant is present in population databases (rs764547435, gnomAD 0.02%). This variant has not been reported in the literature in individuals affected with SYNE4-related conditions. Variants that disrupt the consensus splice site are a relatively common cause of aberrant splicing (PMID: 17576681, 9536098). Algorithms developed to predict the effect of sequence changes on RNA splicing suggest that this variant is not likely to affect RNA splicing. In summary, the available evidence is currently insufficient to determine the role of this variant in disease. Therefore, it has been classified as a Variant of Uncertain Significance.

Literature cited by the submitters: PubMed 17576681 (cited by Labcorp Genetics (formerly Invitae), Labcorp); PubMed 9536098 (cited by Labcorp Genetics (formerly Invitae), Labcorp).

NM_001039876.3(SYNE4):c.1031+6G>A

Gene: SYNE4 (spectrin repeat containing nuclear envelope family member 4; minus strand). Cytogenetic location: 19q13.12.
Variant type: single nucleotide variant.
Coding change: c.1031+6G>A on transcript NM_001039876.3 (MANE Select); 6 bases into the intron after coding-DNA position 1031, G replaced by A.
Molecular consequence: intron variant.
Genome position (GRCh38, 1-based): chr19:36,003,607, C>T on the plus strand (G>A on the coding strand, the complement: SYNE4 is on the minus strand). VCF-style: chr19-36003607-C-T. GRCh37 (hg19) VCF-style: chr19-36494509-C-T.
Other names: c.692+6G>A (NM_001297735.3).
Identifiers: ClinVar variation 1910843 (VCV001910843.3), dbSNP rs764547435, ClinGen allele CA9393770.
Genomic context (GRCh38, chr19:36,003,607, plus strand): 5'-ATACAGGTGGGCTGCTGCTAGGAGCTCTGTCCCCCACACCCTAGTCCCATCTCTCAGGCA[C>T]CTCACCCTGGATTCCCCTCCAGCCTCACATCCTGGAGATGAGGAGATGCTTGCCTCTTCT-3'